The following is an entry in ClinVar:

NM_001130438.3(SPTAN1):c.4551T>C (p.Tyr1517=)

Gene: SPTAN1 (spectrin alpha, non-erythrocytic 1; plus strand). Cytogenetic location: 9q34.11.
Variant type: single nucleotide variant.
Coding change: c.4551T>C on transcript NM_001130438.3 (MANE Select); coding-DNA position 4551, T replaced by C.
Protein change: p.Tyr1517=; no amino-acid change (tyrosine 1517 retained).
Molecular consequence: synonymous variant.
Genome position (GRCh38, 1-based): chr9:128,608,933, T>C. VCF-style: chr9-128608933-T-C. GRCh37 (hg19) VCF-style: chr9-131371212-T-C.
Other names: c.4491T>C, p.Tyr1497= (NM_001195532.2, NM_001363765.2); c.4551T>C, p.Tyr1517= (NM_001363759.2, NM_003127.4).
Identifiers: ClinVar variation 384162 (VCV000384162.33), dbSNP rs570247500, ClinGen allele CA5265213.

ClinVar aggregate classification (germline): Benign/Likely benign. Review status: criteria provided, multiple submitters, no conflicts (2 of 4 stars). 4 submissions from 4 submitters: Benign (2); Likely benign (2). Last evaluated 2025-08-11.

Conditions:
Early-infantile DEE. Also called: Early infantile epileptic encephalopathy; Ohtahara syndrome; Early infantile epileptic encephalopathy with suppression bursts. Identifiers: Orphanet 1934, MedGen C0393706, MONDO:0800491.
Developmental and epileptic encephalopathy, 5 (DEE5). Identifiers: Orphanet 3451, MedGen C3150731, MONDO:0013277, OMIM 613477.

Allele frequency attached by ClinVar (database versions not stated): gnomAD 0.00009 and below 0.00001; gnomAD exomes 0.00020 and 0.00040; ExAC 0.00043; 1000 Genomes Project 30x 0.00047; 1000 Genomes Project 0.00060; TOPMed below 0.00001.
gnomAD v4.1: 295 of 1,614,234 alleles (0.018%); highest among the groups gnomAD compares: South Asian, 0.31%; 5 homozygotes.

Submissions (4):

Labcorp Genetics (formerly Invitae), Labcorp
Classification: Benign for Early-infantile DEE. Last evaluated: 2025-08-11. Review status: criteria provided, single submitter. Criteria: Invitae Variant Classification Sherloc (09022015). Collection method: clinical testing. Allele origin: germline.

CeGaT Center for Human Genetics Tuebingen
Classification: Likely benign. Last evaluated: 2024-10-01. Review status: criteria provided, single submitter. Criteria: CeGaT Center For Human Genetics Tuebingen Variant Classification Criteria Version 2. Collection method: clinical testing. Allele origin: germline. Affected: yes. Observed: 2 variant alleles.
Comment: SPTAN1: BP4, BP7, BS1

Genome-Nilou Lab
Classification: Benign for Developmental and epileptic encephalopathy, 5. Last evaluated: 2021-07-15. Review status: criteria provided, single submitter. Criteria: ACMG Guidelines, 2015. Collection method: clinical testing. Allele origin: germline. Affected: no.

GeneDx
Classification: Likely benign. Last evaluated: 2016-03-10. Review status: criteria provided, single submitter. Criteria: GeneDx Variant Classification (06012015). Collection method: clinical testing. Allele origin: germline. Affected: yes.
Comment: This variant is considered likely benign or benign based on one or more of the following criteria: it is a conservative change, it occurs at a poorly conserved position in the protein, it is predicted to be benign by multiple in silico algorithms, and/or has population frequency not consistent with disease.